The following is an entry in ClinVar:

NM_001394062.1(MACF1):c.21831C>T (p.Arg7277=)

Gene: MACF1 (microtubule actin crosslinking factor 1; plus strand). Cytogenetic location: 1p34.3.
Variant type: single nucleotide variant.
Coding change: c.21831C>T on transcript NM_001394062.1 (MANE Select); coding-DNA position 21831, C replaced by T.
Protein change: p.Arg7277=; no amino-acid change (arginine 7277 retained).
Molecular consequence: synonymous variant.
Genome position (GRCh38, 1-based): chr1:39,468,674, C>T. VCF-style: chr1-39468674-C-T. GRCh37 (hg19) VCF-style: chr1-39934346-C-T.
Other names: c.9891C>T, p.Arg3297= (NM_001397473.1); c.15636C>T, p.Arg5212= (NM_012090.5).
Identifiers: ClinVar variation 4798534 (VCV004798534.2).

ClinVar aggregate classification (germline): Likely benign. Review status: criteria provided, multiple submitters, no conflicts (2 of 4 stars). 2 submissions from 2 submitters: Likely benign (2). Last evaluated 2025-08-15.

Conditions:
MACF1-related disorder. Also called: MACF1-related condition.

gnomAD v4.1: 116 of 1,614,086 alleles (0.0072%); highest among the groups gnomAD compares: Non-Finnish European, 0.0097%; no homozygotes.

Submissions (2):

Labcorp Genetics (formerly Invitae), Labcorp
Classification: Likely benign. Last evaluated: 2025-08-15. Review status: criteria provided, single submitter. Criteria: Invitae Variant Classification Sherloc (09022015). Collection method: clinical testing. Allele origin: germline.

PreventionGenetics, part of Exact Sciences
Classification: Likely benign for MACF1-related condition. Last evaluated: 2025-04-20. Review status: criteria provided, single submitter. Criteria: ACMG Guidelines, 2015. Collection method: clinical testing. Allele origin: germline.
Comment: This variant is classified as likely benign based on ACMG/AMP sequence variant interpretation guidelines (Richards et al. 2015 PMID: 25741868, with internal and published modifications).